The following is an entry in ClinVar:

NM_001035.3(RYR2):c.8426A>C (p.Gln2809Pro)

Gene: RYR2 (ryanodine receptor 2; plus strand). Cytogenetic location: 1q43.
Variant type: single nucleotide variant.
Coding change: c.8426A>C on transcript NM_001035.3 (MANE Select); coding-DNA position 8426, A replaced by C.
Protein change: p.Gln2809Pro; replaces glutamine 2809 with proline.
Molecular consequence: missense variant.
Genome position (GRCh38, 1-based): chr1:237,660,937, A>C. VCF-style: chr1-237660937-A-C. GRCh37 (hg19) VCF-style: chr1-237824237-A-C.
Other names: short protein forms Q2809P.
Identifiers: ClinVar variation 43831 (VCV000043831.5), dbSNP rs397516551, ClinGen allele CA011005.

ClinVar aggregate classification (germline): Uncertain significance (1 of 4 stars; one submission).

Submission:

Laboratory for Molecular Medicine, Mass General Brigham Personalized Medicine
Classification: Uncertain significance. Last evaluated: 2012-07-02. Review status: criteria provided, single submitter. Criteria: LMM Criteria. Collection method: clinical testing. Allele origin: germline. Observed: 2 variant alleles.
Comment: Computational analyses (biochemical amino acid properties, conservation, AlignGVGD, PolyPhen2 , and SIFT) do not provide strong support for or against an impact to the protei n. Additional information is needed to fully assess the clinical significance of this variant.